The following is an entry in ClinVar:

ClinVar aggregate classification (germline): Uncertain significance (1 of 4 stars; one submission).

Conditions:
Neurofibromatosis, type 1 (NF1). Also called: Neurofibromatosis, type I; NEUROFIBROMATOSIS, TYPE I, SOMATIC; Peripheral type neurofibromatosis; VON RECKLINGHAUSEN DISEASE. Identifiers: Orphanet 636, MedGen C0027831, MONDO:0018975, OMIM 162200. Disease mechanism: loss of function.

Submission:

Labcorp Genetics (formerly Invitae), Labcorp
Classification: Uncertain significance for Neurofibromatosis, type 1. Last evaluated: 2023-01-09. Review status: criteria provided, single submitter. Criteria: Invitae Variant Classification Sherloc (09022015). Collection method: clinical testing. Allele origin: germline.
Comment: In summary, the available evidence is currently insufficient to determine the role of this variant in disease. Therefore, it has been classified as a Variant of Uncertain Significance. Advanced modeling of protein sequence and biophysical properties (such as structural, functional, and spatial information, amino acid conservation, physicochemical variation, residue mobility, and thermodynamic stability) has been performed at Invitae for this missense variant, however the output from this modeling did not meet the statistical confidence thresholds required to predict the impact of this variant on NF1 protein function. This variant has not been reported in the literature in individuals affected with NF1-related conditions. This variant is not present in population databases (gnomAD no frequency). This sequence change replaces serine, which is neutral and polar, with glycine, which is neutral and non-polar, at codon 2808 of the NF1 protein (p.Ser2808Gly).

NM_001042492.3(NF1):c.8485A>G (p.Ser2829Gly)

Gene: NF1 (neurofibromin 1; plus strand). Cytogenetic location: 17q11.2.
Variant type: single nucleotide variant.
Coding change: c.8485A>G on transcript NM_001042492.3 (MANE Select); coding-DNA position 8485, A replaced by G.
Protein change: p.Ser2829Gly; replaces serine 2829 with glycine.
Molecular consequence: missense variant.
Genome position (GRCh38, 1-based): chr17:31,374,120, A>G. VCF-style: chr17-31374120-A-G. GRCh37 (hg19) VCF-style: chr17-29701138-A-G.
Other names: c.8422A>G, p.Ser2808Gly (NM_000267.4); short protein forms S2829G, S2808G.
Identifiers: ClinVar variation 2719139 (VCV002719139.3), dbSNP rs2151601575, ClinGen allele CA399206077.